The following is an entry in ClinVar:

NM_021728.4(OTX2):c.761C>G (p.Ser254Ter)

Gene: OTX2 (orthodenticle homeobox 2; minus strand). Cytogenetic location: 14q22.3.
Variant type: single nucleotide variant.
Coding change: c.761C>G on transcript NM_021728.4 (MANE Select); coding-DNA position 761, C replaced by G.
Protein change: p.Ser254Ter; replaces serine 254 with a stop codon.
Molecular consequence: nonsense. On other transcripts: non-coding transcript variant (2).
Genome position (GRCh38, 1-based): chr14:56,801,868, G>C on the plus strand (C>G on the coding strand, the complement: OTX2 is on the minus strand). VCF-style: chr14-56801868-G-C. GRCh37 (hg19) VCF-style: chr14-57268586-G-C.
Other names: c.737C>G, p.Ser246Ter (NM_001270523.2, NM_001270524.2, NM_172337.3); c.761C>G, p.Ser254Ter (NM_001270525.2); short protein forms S246*, S254*.
Identifiers: ClinVar variation 4292789 (VCV004292789.1).

ClinVar aggregate classification (germline): Likely pathogenic (1 of 4 stars; one submission).

Conditions:
Syndromic microphthalmia type 5 (MCOPS5). Also called: RETINAL DYSTROPHY, EARLY-ONSET, WITH PITUITARY DYSFUNCTION; RETINAL DYSTROPHY, EARLY-ONSET, WITHOUT PITUITARY DYSFUNCTION. Identifiers: Orphanet 178364, MedGen C1864690, MONDO:0012413, OMIM 610125.

Submission:

3billion
Classification: Likely pathogenic for Syndromic microphthalmia type 5. Last evaluated: 2024-10-18. Review status: criteria provided, single submitter. Criteria: ACMG Guidelines, 2015. Collection method: clinical testing. Allele origin: germline. Affected: yes.
Comment: The variant is not observed in the gnomAD v4.1.0 dataset. Predicted Consequence/Location: Stop-gained (nonsense): predicted to result in a loss or disruption of normal protein function through protein truncation. The predicted truncated protein may be shortened by more than 10%. Therefore, this variant is classified as Likely pathogenic according to the recommendation of ACMG/AMP guideline.